The following is an entry in ClinVar:

ClinVar aggregate classification (germline): Conflicting classifications of pathogenicity. Review status: criteria provided, conflicting classifications (1 of 4 stars). 3 submissions from 3 submitters: Uncertain significance (2); Likely benign (1). Last evaluated 2026-02-28.

Conditions:
Ullrich congenital muscular dystrophy 2 (UCMD2). Identifiers: Orphanet 75840, MedGen C4225314, MONDO:0014654, OMIM 616470.
Bethlem myopathy 2 (BTHLM2). Identifiers: Orphanet 536516, Orphanet 610, MedGen C4225313, MONDO:0034022, OMIM 616471.
Inborn genetic diseases. Identifiers: MedGen C0950123, MeSH D030342.

Allele frequency attached by ClinVar (database versions not stated): TOPMed 0.00002; gnomAD exomes below 0.00001 and 0.00001; gnomAD 0.00001; ExAC 0.00002.
gnomAD v4.1: 11 of 1,613,586 alleles (0.00068%); highest among the groups gnomAD compares: African/African-American, 0.0013%; no homozygotes.

Submissions (3):

Ambry Genetics
Classification: Uncertain significance for Inborn genetic diseases. Last evaluated: 2026-02-28. Review status: criteria provided, single submitter. Criteria: Ambry Variant Classification Scheme 2023. Collection method: clinical testing. Allele origin: germline.

Women's Health and Genetics/Laboratory Corporation of America, LabCorp
Classification: Uncertain significance. Last evaluated: 2025-11-25. Review status: criteria provided, single submitter. Criteria: LabCorp Variant Classification Summary - May 2015. Collection method: clinical testing. Allele origin: germline.
Comment: Variant summary: COL12A1 c.7433G>A (p.Arg2478Gln) results in a conservative amino acid change in the encoded protein sequence. Algorithms developed to predict the effect of missense changes on protein structure and function are either unavailable or do not agree on the potential impact of this missense change. The variant allele was found at a frequency of 4e-06 in 249076 control chromosomes. The available data on variant occurrences in the general population are insufficient to allow any conclusion about variant significance. To our knowledge, no occurrence of c.7433G>A in individuals affected with COL12A1-related conditions and no experimental evidence demonstrating its impact on protein function have been reported. ClinVar contains an entry for this variant (Variation ID: 940916). Based on the evidence outlined above, the variant was classified as uncertain significance.

Labcorp Genetics (formerly Invitae), Labcorp
Classification: Likely benign for Bethlem myopathy 2; Ullrich congenital muscular dystrophy 2. Last evaluated: 2025-09-29. Review status: criteria provided, single submitter. Criteria: Invitae Variant Classification Sherloc (09022015). Collection method: clinical testing. Allele origin: germline.

NM_004370.6(COL12A1):c.7433G>A (p.Arg2478Gln)

Gene: COL12A1 (collagen type XII alpha 1 chain; minus strand). Cytogenetic location: 6q13.
Variant type: single nucleotide variant.
Coding change: c.7433G>A on transcript NM_004370.6 (MANE Select); coding-DNA position 7433, G replaced by A.
Protein change: p.Arg2478Gln; replaces arginine 2478 with glutamine.
Molecular consequence: missense variant.
Genome position (GRCh38, 1-based): chr6:75,117,468, C>T on the plus strand (G>A on the coding strand, the complement: COL12A1 is on the minus strand). VCF-style: chr6-75117468-C-T. GRCh37 (hg19) VCF-style: chr6-75827184-C-T.
Other names: c.3941G>A, p.Arg1314Gln (NM_080645.3); short protein forms R1314Q, R2478Q.
Identifiers: ClinVar variation 940916 (VCV000940916.9), dbSNP rs747410893, ClinGen allele CA3892561.